The following is an entry in ClinVar:

ClinVar aggregate classification (germline): Uncertain significance (1 of 4 stars; one submission).

Conditions:
Alagille syndrome due to a JAG1 point mutation. Also called: JAG1-Related Alagille Syndrome; Alagille Syndrome 1; HEPATIC DUCTULAR HYPOPLASIA, SYNDROMATIC. Identifiers: Orphanet 261619, Orphanet 52, MedGen C1956125, MONDO:0016862, OMIM 118450.

Allele frequency attached by ClinVar (database versions not stated): gnomAD exomes below 0.00001 and 0.00001; gnomAD 0.00001.
gnomAD v4.1: 4 of 1,613,996 alleles (0.00025%); highest among the groups gnomAD compares: East Asian, 0.0089%; no homozygotes.

Submission:

Labcorp Genetics (formerly Invitae), Labcorp
Classification: Uncertain significance for Alagille syndrome due to a JAG1 point mutation. Last evaluated: 2024-06-25. Review status: criteria provided, single submitter. Criteria: Invitae Variant Classification Sherloc (09022015). Collection method: clinical testing. Allele origin: germline.
Comment: This sequence change replaces valine, which is neutral and non-polar, with methionine, which is neutral and non-polar, at codon 836 of the JAG1 protein (p.Val836Met). This variant is present in population databases (no rsID available, gnomAD 0.02%). This variant has not been reported in the literature in individuals affected with JAG1-related conditions. ClinVar contains an entry for this variant (Variation ID: 1500298). Advanced modeling of protein sequence and biophysical properties (such as structural, functional, and spatial information, amino acid conservation, physicochemical variation, residue mobility, and thermodynamic stability) performed at Invitae indicates that this missense variant is not expected to disrupt JAG1 protein function with a negative predictive value of 80%. In summary, the available evidence is currently insufficient to determine the role of this variant in disease. Therefore, it has been classified as a Variant of Uncertain Significance.

NM_000214.3(JAG1):c.2506G>A (p.Val836Met)

Gene: JAG1 (jagged canonical Notch ligand 1; minus strand). Cytogenetic location: 20p12.2.
Variant type: single nucleotide variant.
Coding change: c.2506G>A on transcript NM_000214.3 (MANE Select); coding-DNA position 2506, G replaced by A.
Protein change: p.Val836Met; replaces valine 836 with methionine.
Molecular consequence: missense variant.
Genome position (GRCh38, 1-based): chr20:10,642,554, C>T on the plus strand (G>A on the coding strand, the complement: JAG1 is on the minus strand). VCF-style: chr20-10642554-C-T. GRCh37 (hg19) VCF-style: chr20-10623202-C-T.
Other names: short protein forms V836M.
Identifiers: ClinVar variation 1500298 (VCV001500298.6), dbSNP rs1429547453, ClinGen allele CA408245607.